The following is an entry in ClinVar:

NM_000170.3(GLDC):c.1148C>T (p.Thr383Ile)

Gene: GLDC (glycine decarboxylase; minus strand). Cytogenetic location: 9p24.1.
Variant type: single nucleotide variant.
Coding change: c.1148C>T on transcript NM_000170.3 (MANE Select); coding-DNA position 1148, C replaced by T.
Protein change: p.Thr383Ile; replaces threonine 383 with isoleucine.
Molecular consequence: missense variant.
Genome position (GRCh38, 1-based): chr9:6,602,116, G>A on the plus strand (C>T on the coding strand, the complement: GLDC is on the minus strand). VCF-style: chr9-6602116-G-A. GRCh37 (hg19) VCF-style: chr9-6602116-G-A.
Other names: short protein forms T383I.
Identifiers: ClinVar variation 2136740 (VCV002136740.7), dbSNP rs1473856167, ClinGen allele CA372894445.

ClinVar aggregate classification (germline): Conflicting classifications of pathogenicity. Review status: criteria provided, conflicting classifications (1 of 4 stars). 3 submissions from 3 submitters: Pathogenic (1); Likely pathogenic (1); Uncertain significance (1). Last evaluated 2025-06-25.

Conditions:
Glycine encephalopathy. Also called: Non-ketotic hyperglycinemia; Nonketotic hyperglycinemia. Identifiers: Orphanet 407, MedGen C0751748, MONDO:0011612, HP:0008288.
Glycine encephalopathy 1 (GCE1). Identifiers: MedGen CN376801, MONDO:0958179, OMIM 605899.

Allele frequency attached by ClinVar (database versions not stated): gnomAD exomes below 0.00001; gnomAD 0.00001.
gnomAD v4.1: 3 of 1,598,752 alleles (0.00019%); highest among the groups gnomAD compares: South Asian, 0.0011%; no homozygotes.

Submissions (3):

Women's Health and Genetics/Laboratory Corporation of America, LabCorp
Classification: Uncertain significance. Last evaluated: 2025-06-25. Review status: criteria provided, single submitter. Criteria: LabCorp Variant Classification Summary - May 2015. Collection method: clinical testing. Allele origin: germline.
Comment: Variant summary: GLDC c.1148C>T (p.Thr383Ile) results in a non-conservative amino acid change located in the Glycine cleavage system P-protein, N-terminal domain (IPR049315) of the encoded protein sequence. Algorithms developed to predict the effect of missense changes on protein structure and function all suggest that this variant is likely to be disruptive. The variant allele was found at a frequency of 4e-06 in 251432 control chromosomes. c.1148C>T has been observed in a homozygous individual affected with Glycine Encephalopathy (Non-Ketotic Hyperglycinemia) (Coughlin_2017). These data indicate that the variant may be associated with disease. To our knowledge, no experimental evidence demonstrating an impact on protein function has been reported. The following publication have been ascertained in the context of this evaluation (PMID: 27362913). ClinVar contains an entry for this variant (Variation ID: 2136740). Based on the evidence outlined above, the variant was classified as VUS-possibly pathogenic.

Fulgent Genetics
Classification: Likely pathogenic for Glycine encephalopathy 1. Last evaluated: 2024-05-20. Review status: criteria provided, single submitter. Criteria: ACMG Guidelines, 2015. Collection method: clinical testing. Allele origin: germline.

Labcorp Genetics (formerly Invitae), Labcorp
Classification: Pathogenic for Glycine encephalopathy. Last evaluated: 2022-08-15. Review status: criteria provided, single submitter. Criteria: Invitae Variant Classification Sherloc (09022015). Collection method: clinical testing. Allele origin: germline.
Comment: For these reasons, this variant has been classified as Pathogenic. Advanced modeling of protein sequence and biophysical properties (such as structural, functional, and spatial information, amino acid conservation, physicochemical variation, residue mobility, and thermodynamic stability) performed at Invitae indicates that this missense variant is expected to disrupt GLDC protein function. This missense change has been observed in individual(s) with non-ketotic hyperglycinemia (PMID: 27362913). This variant is present in population databases (no rsID available, gnomAD 0.0009%). This sequence change replaces threonine, which is neutral and polar, with isoleucine, which is neutral and non-polar, at codon 383 of the GLDC protein (p.Thr383Ile).

Literature cited by the submitters: PubMed 27362913 (cited by Women's Health and Genetics/Laboratory Corporation of America, LabCorp and Labcorp Genetics (formerly Invitae), Labcorp).